The following is an entry in ClinVar:

ClinVar aggregate classification (germline): Likely pathogenic (1 of 4 stars; one submission).

Conditions:
Werner syndrome (WRN). Identifiers: Orphanet 902, MedGen C0043119, MONDO:0010196, OMIM 277700.

Allele frequency attached by ClinVar (database versions not stated): gnomAD exomes below 0.00001; TOPMed below 0.00001.
gnomAD v4.1: 4 of 1,612,422 alleles (0.00025%); highest among the groups gnomAD compares: Non-Finnish European, 0.00034%; no homozygotes.

Submission:

Labcorp Genetics (formerly Invitae), Labcorp
Classification: Likely pathogenic for Werner syndrome. Last evaluated: 2022-08-16. Review status: criteria provided, single submitter. Criteria: Invitae Variant Classification Sherloc (09022015). Collection method: clinical testing. Allele origin: germline.
Comment: In summary, the currently available evidence indicates that the variant is pathogenic, but additional data are needed to prove that conclusively. Therefore, this variant has been classified as Likely Pathogenic. Algorithms developed to predict the effect of sequence changes on RNA splicing suggest that this variant may disrupt the consensus splice site. ClinVar contains an entry for this variant (Variation ID: 1470596). This variant has not been reported in the literature in individuals affected with WRN-related conditions. This variant is not present in population databases (gnomAD no frequency). This sequence change affects a donor splice site in intron 17 of the WRN gene. It is expected to disrupt RNA splicing. Variants that disrupt the donor or acceptor splice site typically lead to a loss of protein function (PMID: 16199547), and loss-of-function variants in WRN are known to be pathogenic (PMID: 16673358).

Literature cited by the submitters: PubMed 16199547; PubMed 16673358.

NM_000553.6(WRN):c.1981+1G>C

Gene: WRN (WRN RecQ like helicase; plus strand). Cytogenetic location: 8p12.
Variant type: single nucleotide variant.
Coding change: c.1981+1G>C on transcript NM_000553.6 (MANE Select); the canonical splice donor site of the intron after coding-DNA position 1981, G replaced by C.
Molecular consequence: splice donor variant.
Genome position (GRCh38, 1-based): chr8:31,096,851, G>C. VCF-style: chr8-31096851-G-C. GRCh37 (hg19) VCF-style: chr8-30954367-G-C.
Identifiers: ClinVar variation 1470596 (VCV001470596.6), dbSNP rs1814007969, ClinGen allele CA370929952.
Genomic context (GRCh38, chr8:31,096,851, plus strand): 5'-TAACTCCAGAATACTGTTCAGGTAACATGGGCCTGCTCCAGCAACTTGAGGCTGATATTG[G>C]TAAGTGATAAAGAAAGATCTCTGTAAATACTTACTGAGTTAATATTTAAAGTTAAACCTA-3'